The following is an entry in ClinVar:

ClinVar aggregate classification (germline): Pathogenic (1 of 4 stars; one submission).

Conditions:
Hyperornithinemia-hyperammonemia-homocitrullinuria syndrome (HHHS). Also called: HHH SYNDROME; Ornithine translocase deficiency. Identifiers: Orphanet 415, MedGen C0268540, MONDO:0009393, OMIM 238970.

Submission:

Labcorp Genetics (formerly Invitae), Labcorp
Classification: Pathogenic for Hyperornithinemia-hyperammonemia-homocitrullinuria syndrome. Last evaluated: 2023-12-19. Review status: criteria provided, single submitter. Criteria: Invitae Variant Classification Sherloc (09022015). Collection method: clinical testing. Allele origin: unknown.
Comment: A gross deletion of the genomic region encompassing the full coding sequence of the SLC25A15 gene has been identified. Loss-of-function variants in SLC25A15 are known to be pathogenic (PMID: 11552031, 19242930). The boundaries of this event are unknown as they extend beyond the assayed region for this gene and therefore may encompass additional genes. A similar copy number variant has been observed in individual(s) with hyperornithinemia-hyperammonemia-homocitrullinuria syndrome (PMID: 10369256). For these reasons, this variant has been classified as Pathogenic.

Literature cited by the submitters: PubMed 11552031; PubMed 19242930; PubMed 10369256.

NC_000013.10:g.(?_41367363)_(41383803_?)del

Gene: SLC25A15 (solute carrier family 25 member 15; plus strand). Cytogenetic location: 13q14.11.
Variant type: Deletion.
Identifiers: ClinVar variation 3244140 (VCV003244140.1).